The following is an entry in ClinVar:

ClinVar aggregate classification (germline): Conflicting classifications of pathogenicity. Review status: criteria provided, conflicting classifications (1 of 4 stars). 3 submissions from 3 submitters: Uncertain significance (2); Likely benign (1). Last evaluated 2025-10-07.

Conditions:
Hereditary cancer-predisposing syndrome. Also called: Neoplastic Syndromes, Hereditary; Tumor predisposition; Hereditary neoplastic syndrome; Hereditary Cancer Syndrome. Identifiers: Orphanet 140162, MedGen C0027672, MeSH D009386, MONDO:0015356.
Renal cell carcinoma. Identifiers: Orphanet 217071, MedGen C0007134, MeSH D002292, MONDO:0005086, HP:0005584.

Allele frequency attached by ClinVar (database versions not stated): gnomAD exomes below 0.00001; ExAC 0.00001.
gnomAD v4.1: 3 of 1,613,970 alleles (0.00019%); highest among the groups gnomAD compares: Middle Eastern, 0.017%; no homozygotes.

Submissions (3):

Labcorp Genetics (formerly Invitae), Labcorp
Classification: Uncertain significance for Renal cell carcinoma. Last evaluated: 2025-10-07. Review status: criteria provided, single submitter. Criteria: Invitae Variant Classification Sherloc (09022015). Collection method: clinical testing. Allele origin: germline.
Comment: This sequence change replaces isoleucine, which is neutral and non-polar, with arginine, which is basic and polar, at codon 166 of the MET protein (p.Ile166Arg). This variant is present in population databases (rs773830746, gnomAD 0.003%). This variant has not been reported in the literature in individuals affected with MET-related conditions. ClinVar contains an entry for this variant (Variation ID: 825340). Invitae Evidence Modeling of protein sequence and biophysical properties (such as structural, functional, and spatial information, amino acid conservation, physicochemical variation, residue mobility, and thermodynamic stability) indicates that this missense variant is not expected to disrupt MET protein function with a negative predictive value of 80%. In summary, the available evidence is currently insufficient to determine the role of this variant in disease. Therefore, it has been classified as a Variant of Uncertain Significance.

Ambry Genetics
Classification: Likely benign for Hereditary cancer-predisposing syndrome. Last evaluated: 2025-05-06. Review status: criteria provided, single submitter. Criteria: Ambry Variant Classification Scheme 2023. Collection method: clinical testing. Allele origin: germline.

GeneDx
Classification: Uncertain significance. Last evaluated: 2023-11-15. Review status: criteria provided, single submitter. Criteria: GeneDx Variant Classification Process June 2021. Collection method: clinical testing. Allele origin: germline. Affected: yes.
Comment: Not observed at significant frequency in large population cohorts (gnomAD); In silico analysis supports that this missense variant does not alter protein structure/function; Has not been previously published as pathogenic or benign to our knowledge

NM_000245.4(MET):c.497T>G (p.Ile166Arg)

Gene: MET (MET proto-oncogene, receptor tyrosine kinase; plus strand). Cytogenetic location: 7q31.2.
Variant type: single nucleotide variant.
Coding change: c.497T>G on transcript NM_000245.4 (MANE Select); coding-DNA position 497, T replaced by G.
Protein change: p.Ile166Arg; replaces isoleucine 166 with arginine.
Molecular consequence: missense variant. On other transcripts: intron variant (1).
Genome position (GRCh38, 1-based): chr7:116,699,581, T>G. VCF-style: chr7-116699581-T-G. GRCh37 (hg19) VCF-style: chr7-116339635-T-G.
Other names: c.497T>G, p.Ile166Arg (NM_001127500.3, NM_001324401.3); c.-91+27004T>G (NM_001324402.2); short protein forms I166R.
Identifiers: ClinVar variation 825340 (VCV000825340.10), dbSNP rs773830746, ClinGen allele CA4447997.
Genomic context (GRCh38, chr7:116,699,581, plus strand): 5'-TTCCCCACAATCATACTGCTGACATACAGTCGGAGGTTCACTGCATATTCTCCCCACAGA[T>G]AGAAGAGCCCAGCCAGTGTCCTGACTGTGTGGTGAGCGCCCTGGGAGCCAAAGTCCTTTC-3'
Protein context (NP_000236.2, residues 156-176): SEVHCIFSPQ[Ile166Arg]EEPSQCPDCV